The following is an entry in ClinVar:

NM_016579.4(CD320):c.745C>T (p.Leu249Phe)

Gene: CD320 (CD320 molecule; minus strand). Cytogenetic location: 19p13.2.
Variant type: single nucleotide variant.
Coding change: c.745C>T on transcript NM_016579.4 (MANE Select); coding-DNA position 745, C replaced by T.
Protein change: p.Leu249Phe; replaces leucine 249 with phenylalanine.
Molecular consequence: missense variant.
Genome position (GRCh38, 1-based): chr19:8,302,567, G>A on the plus strand (C>T on the coding strand, the complement: CD320 is on the minus strand). VCF-style: chr19-8302567-G-A. GRCh37 (hg19) VCF-style: chr19-8367451-G-A.
Other names: c.619C>T, p.Leu207Phe (NM_001165895.2); short protein forms L207F, L249F.
Identifiers: ClinVar variation 745479 (VCV000745479.13), dbSNP rs115054912, ClinGen allele CA9154623.
Genomic context (GRCh38, chr19:8,302,567, plus strand): 5'-TCATGGCCACCAGTAACCCCAGTGGGCGGAGGCGCTCCTGGGCTCGGAGCCAGGACAAAA[G>A]GAGGAGGGTGGCGGTGACCAGGCTTGCACTGAGCACCGCTGTGGGGAACAGATGGACAGA-3'
Protein context (NP_057663.1, residues 239-259): SASLVTATLL[Leu249Phe]LSWLRAQERL

ClinVar aggregate classification (germline): Likely benign. Review status: criteria provided, single submitter (1 of 4 stars). 2 submissions from 2 submitters: Likely benign (1). 1 of the submissions does not count toward it. Last evaluated 2025-12-15.

Conditions:
CD320-related disorder. Also called: CD320-related condition.
Methylmalonic acidemia due to transcobalamin receptor defect (MATR). Also called: METHYLMALONIC ACIDURIA, TRANSIENT, DUE TO TRANSCOBALAMIN RECEPTOR DEFECT; METHYLMALONIC ACIDEMIA, TCblR TYPE. Identifiers: Orphanet 280183, MedGen C4749905, MONDO:0013341, OMIM 613646.

Allele frequency attached by ClinVar (database versions not stated): gnomAD exomes 0.00009 and 0.00024; ExAC 0.00032; 1000 Genomes Project 30x 0.00047; 1000 Genomes Project 0.00060; ESP Exome Variant Server 0.00108; gnomAD 0.00116 and 0.00126; TOPMed 0.00120.
gnomAD v4.1: 312 of 1,613,918 alleles (0.019%); highest among the groups gnomAD compares: African/African-American, 0.39%; no homozygotes.

Submissions (2):

Labcorp Genetics (formerly Invitae), Labcorp
Classification: Likely benign for Methylmalonic acidemia due to transcobalamin receptor defect. Last evaluated: 2025-12-15. Review status: criteria provided, single submitter. Criteria: Invitae Variant Classification Sherloc (09022015). Collection method: clinical testing. Allele origin: germline.

PreventionGenetics, part of Exact Sciences
Classification: Likely benign for CD320-related condition. Last evaluated: 2022-02-18. Review status: no assertion criteria provided. Collection method: clinical testing. Allele origin: germline. Not counted in ClinVar's aggregate classification.
Comment: This variant is classified as likely benign based on ACMG/AMP sequence variant interpretation guidelines (Richards et al. 2015 PMID: 25741868, with internal and published modifications).